The following is an entry in ClinVar:

NM_004523.4(KIF11):c.2316T>G (p.Phe772Leu)

Gene: KIF11 (kinesin family member 11; plus strand). Cytogenetic location: 10q23.33.
Variant type: single nucleotide variant.
Coding change: c.2316T>G on transcript NM_004523.4 (MANE Select); coding-DNA position 2316, T replaced by G.
Protein change: p.Phe772Leu; replaces phenylalanine 772 with leucine.
Molecular consequence: missense variant.
Genome position (GRCh38, 1-based): chr10:92,645,411, T>G. VCF-style: chr10-92645411-T-G. GRCh37 (hg19) VCF-style: chr10-94405168-T-G.
Other names: short protein forms F772L.
Identifiers: ClinVar variation 938173 (VCV000938173.14), dbSNP rs202150514, ClinGen allele CA5604381.
Genomic context (GRCh38, chr10:92,645,411, plus strand): 5'-CTTTTCCTATAGGAAATCTAAGGATATAGTCAACAAAATGACTTTTCACAGTCAAAAATT[T>G]TGTGCTGATTCTGATGGCTTCTCACAGGAACTCAGAAATTTTAACCAAGAAGGTACAAAA-3'
Protein context (NP_004514.2, residues 762-782): VNKMTFHSQK[Phe772Leu]CADSDGFSQE

ClinVar aggregate classification (germline): Conflicting classifications of pathogenicity. Review status: criteria provided, conflicting classifications (1 of 4 stars). 5 submissions from 5 submitters: Uncertain significance (1); Likely benign (3). 1 of the submissions does not count toward it. Last evaluated 2026-07-14.

Conditions:
KIF11-related disorder. Also called: KIF11-related condition.
Inborn genetic diseases. Identifiers: MedGen C0950123, MeSH D030342.
Retinal dystrophy. Also called: Inherited retinal dystrophy. Identifiers: Orphanet 71862, MedGen C0854723, MeSH D058499, MONDO:0019118, HP:0000556.

Allele frequency attached by ClinVar (database versions not stated): ExAC 0.00003; gnomAD exomes 0.00004; gnomAD 0.00005 and 0.00006; TOPMed 0.00006; ESP Exome Variant Server 0.00015.
gnomAD v4.1: 88 of 1,613,058 alleles (0.0055%); highest among the groups gnomAD compares: Non-Finnish European, 0.0074%; 1 homozygote.

Submissions (5):

PreventionGenetics, part of Exact Sciences
Classification: Uncertain significance for KIF11-related condition. Last evaluated: 2026-07-14. Review status: criteria provided, single submitter. Criteria: ACMG Guidelines, 2015. Collection method: clinical testing. Allele origin: germline.
Comment: The KIF11 c.2316T>G variant is predicted to result in the amino acid substitution p.Phe772Leu. To our knowledge, this variant has not been reported in the literature. This variant is reported in 0.0085% of alleles in individuals of European (Non-Finnish) descent in gnomAD. At this time, the clinical significance of this variant is uncertain due to the absence of conclusive functional and genetic evidence.

Labcorp Genetics (formerly Invitae), Labcorp
Classification: Likely benign. Last evaluated: 2025-10-26. Review status: criteria provided, single submitter. Criteria: Invitae Variant Classification Sherloc (09022015). Collection method: clinical testing. Allele origin: germline.

Blueprint Genetics
Classification: Likely benign. Last evaluated: 2024-11-22. Review status: criteria provided, single submitter. Criteria: ACMG Guidelines, 2015. Collection method: clinical testing. Allele origin: germline.

Ambry Genetics
Classification: Likely benign for Inborn genetic diseases. Last evaluated: 2023-07-19. Review status: criteria provided, single submitter. Criteria: Ambry Variant Classification Scheme 2023. Collection method: clinical testing. Allele origin: germline.

Institute of Human Genetics, Univ. Regensburg, Univ. Regensburg
Classification: Uncertain significance for Retinal dystrophy. Last evaluated: 2022-01-01. Review status: no assertion criteria provided. Criteria: ACMG Guidelines, 2015. Collection method: clinical testing. Allele origin: germline. Affected: yes. Not counted in ClinVar's aggregate classification.